The following is an entry in ClinVar:

NM_001267550.2(TTN):c.91646T>A (p.Leu30549Ter)

Genes: TTN (titin; minus strand), TTN-AS1 (TTN antisense RNA 1; plus strand). Cytogenetic location: 2q31.2.
Variant type: single nucleotide variant.
Coding change: c.91646T>A on transcript NM_001267550.2 (MANE Select); coding-DNA position 91646, T replaced by A.
Protein change: p.Leu30549Ter; replaces leucine 30549 with a stop codon.
Molecular consequence: nonsense.
Genome position (GRCh38, 1-based): chr2:178,550,192, A>T on the plus strand (T>A on the coding strand, the complement: TTN is on the minus strand). VCF-style: chr2-178550192-A-T. GRCh37 (hg19) VCF-style: chr2-179414919-A-T.
Other names: c.86723T>A, p.Leu28908Ter (NM_001256850.1); c.64451T>A, p.Leu21484Ter (NM_003319.4); c.83942T>A, p.Leu27981Ter (NM_133378.4); c.64826T>A, p.Leu21609Ter (NM_133432.3); c.65027T>A, p.Leu21676Ter (NM_133437.4); short protein forms L30549*, L21484*, L27981*, L21609*, L28908*, L21676*.
Identifiers: ClinVar variation 3975762 (VCV003975762.1).

ClinVar aggregate classification (germline): Likely pathogenic (1 of 4 stars; one submission).

Conditions:
Cardiovascular phenotype. Identifiers: MedGen CN230736.

Submission:

Ambry Genetics
Classification: Likely pathogenic for Cardiovascular phenotype. Last evaluated: 2025-04-06. Review status: criteria provided, single submitter. Criteria: Ambry Variant Classification Scheme 2023. Collection method: clinical testing. Allele origin: germline.
Comment: The p.L21484* variant (also known as c.64451T>A), located in coding exon 164 of the TTN gene, results from a T to A substitution at nucleotide position 64451. This changes the amino acid from a leucine to a stop codon within coding exon 164. This exon is located in the A-band region of the N2-B isoform of the titin protein and is constitutively expressed in TTN transcripts (percent spliced in or PSI 100%). This variant is considered to be rare based on population cohorts in the Genome Aggregation Database (gnomAD). This variant is expected to result in loss of function by premature protein truncation or nonsense-mediated mRNA decay. While truncating variants in TTN are present in 1-3% of the general population, truncating variants in the A-band are the most common cause of dilated cardiomyopathy (Herman DS et al. N. Engl. J. Med., 2012 Feb;366:619-28; Roberts AM et al. Sci Transl Med, 2015 Jan;7:270ra6). TTN truncating variants encoded in constitutive exons (PSI >90%) have been found to be significantly associated with DCM regardless of their position in titin (Schafer S et al. Nat. Genet., 2017 01;49:46-53; Akhtar MM et al. Circ Heart Fail, 2020 Oct;13:e006832; Massier M et al. Clin Genet, 2025 Jan). Based on the majority of available evidence to date, this variant is likely to be pathogenic.